The following is an entry in ClinVar:

ClinVar aggregate classification (germline): Uncertain significance. Review status: criteria provided, multiple submitters, no conflicts (2 of 4 stars). 2 submissions from 2 submitters: Uncertain significance (2). Last evaluated 2025-12-30.

Conditions:
Leukocyte adhesion deficiency 1 (LAD1). Also called: LEUKOCYTE ADHESION DEFICIENCY, TYPE I; LAD 1; Lymphocyte function-associated antigen 1 immunodeficiency; LFA 1 immunodeficiency. Identifiers: Orphanet 2968, Orphanet 99842, MedGen C0398738, MONDO:0007293, OMIM 116920.
Inborn genetic diseases. Identifiers: MedGen C0950123, MeSH D030342.

Allele frequency attached by ClinVar (database versions not stated): gnomAD exomes 0.00002 and 0.00003; ExAC 0.00006; TOPMed 0.00008; gnomAD 0.00009; ESP Exome Variant Server 0.00015; 1000 Genomes Project 30x 0.00016; 1000 Genomes Project 0.00020.
gnomAD v4.1: 39 of 1,613,994 alleles (0.0024%); highest among the groups gnomAD compares: African/African-American, 0.024%; no homozygotes.

Submissions (2):

Labcorp Genetics (formerly Invitae), Labcorp
Classification: Uncertain significance for Leukocyte adhesion deficiency 1. Last evaluated: 2025-12-30. Review status: criteria provided, single submitter. Criteria: Invitae Variant Classification Sherloc (09022015). Collection method: clinical testing. Allele origin: germline.
Comment: This sequence change replaces alanine, which is neutral and non-polar, with threonine, which is neutral and polar, at codon 245 of the ITGB2 protein (p.Ala245Thr). This variant is present in population databases (rs144280462, gnomAD 0.02%). This variant has not been reported in the literature in individuals affected with ITGB2-related conditions. ClinVar contains an entry for this variant (Variation ID: 935493). Invitae Evidence Modeling of protein sequence and biophysical properties (such as structural, functional, and spatial information, amino acid conservation, physicochemical variation, residue mobility, and thermodynamic stability) has been performed for this missense variant. However, the output from this modeling did not meet the statistical confidence thresholds required to predict the impact of this variant on ITGB2 protein function. In summary, the available evidence is currently insufficient to determine the role of this variant in disease. Therefore, it has been classified as a Variant of Uncertain Significance.

Ambry Genetics
Classification: Uncertain significance for Inborn genetic diseases. Last evaluated: 2024-10-25. Review status: criteria provided, single submitter. Criteria: Ambry Variant Classification Scheme 2023. Collection method: clinical testing. Allele origin: germline.

NM_000211.5(ITGB2):c.733G>A (p.Ala245Thr)

Gene: ITGB2 (integrin subunit beta 2; minus strand). Cytogenetic location: 21q22.3.
Variant type: single nucleotide variant.
Coding change: c.733G>A on transcript NM_000211.5 (MANE Select); coding-DNA position 733, G replaced by A.
Protein change: p.Ala245Thr; replaces alanine 245 with threonine.
Molecular consequence: missense variant.
Genome position (GRCh38, 1-based): chr21:44,901,500, C>T on the plus strand (G>A on the coding strand, the complement: ITGB2 is on the minus strand). VCF-style: chr21-44901500-C-T. GRCh37 (hg19) VCF-style: chr21-46321415-C-T.
Other names: c.733G>A (NM_000211.3); c.733G>A, p.Ala245Thr (NM_001127491.3); c.526G>A, p.Ala176Thr (NM_001303238.2); short protein forms A245T, A176T.
Identifiers: ClinVar variation 935493 (VCV000935493.10), dbSNP rs144280462, ClinGen allele CA10063124.